The following is an entry in ClinVar:

NM_020964.3(EPG5):c.1148C>G (p.Ser383Cys)

Gene: EPG5 (ectopic P-granules 5 autophagy tethering factor; minus strand). Cytogenetic location: 18q21.1.
Variant type: single nucleotide variant.
Coding change: c.1148C>G on transcript NM_020964.3 (MANE Select); coding-DNA position 1148, C replaced by G.
Protein change: p.Ser383Cys; replaces serine 383 with cysteine.
Molecular consequence: missense variant.
Genome position (GRCh38, 1-based): chr18:45,952,504, G>C on the plus strand (C>G on the coding strand, the complement: EPG5 is on the minus strand). VCF-style: chr18-45952504-G-C. GRCh37 (hg19) VCF-style: chr18-43532470-G-C.
Other names: c.1148C>G, p.Ser383Cys (LRG_1234t1); short protein forms S383C.
Identifiers: ClinVar variation 649874 (VCV000649874.9), dbSNP rs1431365834, ClinGen allele CA402350098.

ClinVar aggregate classification (germline): Uncertain significance (1 of 4 stars; one submission).

Conditions:
Vici syndrome (VICIS). Identifiers: Orphanet 1493, MedGen C1855772, MONDO:0009452, OMIM 242840.

Allele frequency attached by ClinVar (database versions not stated): gnomAD exomes below 0.00001; TOPMed 0.00001.
gnomAD v4.1: 2 of 1,614,180 alleles (0.00012%); highest among the groups gnomAD compares: African/African-American, 0.0013%; no homozygotes.

Submission:

Labcorp Genetics (formerly Invitae), Labcorp
Classification: Uncertain significance for Vici syndrome. Last evaluated: 2024-08-29. Review status: criteria provided, single submitter. Criteria: Invitae Variant Classification Sherloc (09022015). Collection method: clinical testing. Allele origin: germline.
Comment: This sequence change replaces serine, which is neutral and polar, with cysteine, which is neutral and slightly polar, at codon 383 of the EPG5 protein (p.Ser383Cys). This variant is not present in population databases (gnomAD no frequency). This variant has not been reported in the literature in individuals affected with EPG5-related conditions. ClinVar contains an entry for this variant (Variation ID: 649874). Invitae Evidence Modeling of protein sequence and biophysical properties (such as structural, functional, and spatial information, amino acid conservation, physicochemical variation, residue mobility, and thermodynamic stability) indicates that this missense variant is not expected to disrupt EPG5 protein function with a negative predictive value of 80%. In summary, the available evidence is currently insufficient to determine the role of this variant in disease. Therefore, it has been classified as a Variant of Uncertain Significance.